The following is an entry in ClinVar:

ClinVar aggregate classification (germline): Likely benign (0 of 4 stars; one submission).

Conditions:
EP400-related disorder. Also called: EP400-related condition.

Allele frequency attached by ClinVar (database versions not stated): gnomAD 0.00001; ExAC 0.00003.
gnomAD v4.1: 15 of 1,613,236 alleles (0.00093%); highest among the groups gnomAD compares: South Asian, 0.015%; no homozygotes.

Submission:

PreventionGenetics, part of Exact Sciences
Classification: Likely benign for EP400-related condition. Last evaluated: 2019-06-27. Review status: no assertion criteria provided. Collection method: clinical testing. Allele origin: germline.
Comment: This variant is classified as likely benign based on ACMG/AMP sequence variant interpretation guidelines (Richards et al. 2015 PMID: 25741868, with internal and published modifications).

NM_015409.5(EP400):c.4206A>G (p.Lys1402=)

Gene: EP400 (E1A binding protein p400; plus strand). Cytogenetic location: 12q24.33.
Variant type: single nucleotide variant.
Coding change: c.4206A>G on transcript NM_015409.5 (MANE Select); coding-DNA position 4206, A replaced by G.
Protein change: p.Lys1402=; no amino-acid change (lysine 1402 retained).
Molecular consequence: synonymous variant.
Genome position (GRCh38, 1-based): chr12:132,018,305, A>G. VCF-style: chr12-132018305-A-G. GRCh37 (hg19) VCF-style: chr12-132502850-A-G.
Identifiers: ClinVar variation 3043371 (VCV003043371.2), dbSNP rs772193706, ClinGen allele CA6885629.